The following is an entry in ClinVar:

ClinVar aggregate classification (germline): Conflicting classifications of pathogenicity. Review status: criteria provided, conflicting classifications (1 of 4 stars). 2 submissions from 2 submitters: Uncertain significance (1); Likely benign (1). Last evaluated 2026-07-06.

Conditions:
Hereditary cancer-predisposing syndrome. Also called: Hereditary Cancer Syndrome; Hereditary neoplastic syndrome; Neoplastic Syndromes, Hereditary; Tumor predisposition. Identifiers: Orphanet 140162, MedGen C0027672, MeSH D009386, MONDO:0015356.
Renal cell carcinoma. Identifiers: Orphanet 217071, MedGen C0007134, MeSH D002292, MONDO:0005086, HP:0005584.

Submissions (2):

Ambry Genetics
Classification: Likely benign for Hereditary cancer-predisposing syndrome. Last evaluated: 2026-07-06. Review status: criteria provided, single submitter. Criteria: Ambry Variant Classification Scheme 2023. Collection method: clinical testing. Allele origin: germline.

Labcorp Genetics (formerly Invitae), Labcorp
Classification: Uncertain significance for Renal cell carcinoma. Last evaluated: 2023-07-19. Review status: criteria provided, single submitter. Criteria: Invitae Variant Classification Sherloc (09022015). Collection method: clinical testing. Allele origin: germline.
Comment: Algorithms developed to predict the effect of missense changes on protein structure and function output the following: SIFT: "Not Available"; PolyPhen-2: "Benign"; Align-GVGD: "Not Available". The glycine amino acid residue is found in multiple mammalian species, which suggests that this missense change does not adversely affect protein function. This sequence change replaces aspartic acid, which is acidic and polar, with glycine, which is neutral and non-polar, at codon 1395 of the MET protein (p.Asp1395Gly). This variant is not present in population databases (gnomAD no frequency). This variant has not been reported in the literature in individuals affected with MET-related conditions. In summary, the available evidence is currently insufficient to determine the role of this variant in disease. Therefore, it has been classified as a Variant of Uncertain Significance.

NM_000245.4(MET):c.4130A>G (p.Asp1377Gly)

Gene: MET (MET proto-oncogene, receptor tyrosine kinase; plus strand). Cytogenetic location: 7q31.2.
Variant type: single nucleotide variant.
Coding change: c.4130A>G on transcript NM_000245.4 (MANE Select); coding-DNA position 4130, A replaced by G.
Protein change: p.Asp1377Gly; replaces aspartic acid 1377 with glycine.
Molecular consequence: missense variant.
Genome position (GRCh38, 1-based): chr7:116,796,081, A>G. VCF-style: chr7-116796081-A-G. GRCh37 (hg19) VCF-style: chr7-116436135-A-G.
Other names: c.4184A>G, p.Asp1395Gly (NM_001127500.3); c.2840A>G, p.Asp947Gly (NM_001324402.2); c.4130A>G (NM_000245.2); short protein forms D947G, D1377G, D1395G.
Identifiers: ClinVar variation 2745273 (VCV002745273.4), dbSNP rs2117113461, ClinGen allele CA369118454.